The following is an entry in ClinVar:

NM_001367624.2(ZNF469):c.749T>C (p.Val250Ala)

Gene: ZNF469 (zinc finger protein 469; plus strand). Cytogenetic location: 16q24.2.
Variant type: single nucleotide variant.
Coding change: c.749T>C on transcript NM_001367624.2 (MANE Select); coding-DNA position 749, T replaced by C.
Protein change: p.Val250Ala; replaces valine 250 with alanine.
Molecular consequence: missense variant.
Genome position (GRCh38, 1-based): chr16:88,428,219, T>C. VCF-style: chr16-88428219-T-C. GRCh37 (hg19) VCF-style: chr16-88494627-T-C.
Other names: short protein forms V250A.
Identifiers: ClinVar variation 1360151 (VCV001360151.3), dbSNP rs764273631, ClinGen allele CA397061878.

ClinVar aggregate classification (germline): Uncertain significance (1 of 4 stars; one submission).

gnomAD v4.1: 13 of 1,550,046 alleles (0.00084%); highest among the groups gnomAD compares: Middle Eastern, 0.033%; 1 homozygote.

Submission:

Labcorp Genetics (formerly Invitae), Labcorp
Classification: Uncertain significance. Last evaluated: 2022-06-13. Review status: criteria provided, single submitter. Criteria: Invitae Variant Classification Sherloc (09022015). Collection method: clinical testing. Allele origin: germline.
Comment: This sequence change replaces valine, which is neutral and non-polar, with alanine, which is neutral and non-polar, at codon 250 of the ZNF469 protein (p.Val250Ala). This variant is not present in population databases (gnomAD no frequency). This variant has not been reported in the literature in individuals affected with ZNF469-related conditions. Algorithms developed to predict the effect of missense changes on protein structure and function output the following: SIFT: "Tolerated"; PolyPhen-2: "Benign"; Align-GVGD: "Class C0". The alanine amino acid residue is found in multiple mammalian species, which suggests that this missense change does not adversely affect protein function. In summary, the available evidence is currently insufficient to determine the role of this variant in disease. Therefore, it has been classified as a Variant of Uncertain Significance.